The following is an entry in ClinVar:

ClinVar aggregate classification (germline): Likely benign. Review status: criteria provided, multiple submitters, no conflicts (2 of 4 stars). 2 submissions from 2 submitters: Likely benign (2). Last evaluated 2026-01-01.

Allele frequency attached by ClinVar (database versions not stated): gnomAD 0.00086; ESP Exome Variant Server 0.00098; 1000 Genomes Project 0.00100; 1000 Genomes Project 30x 0.00109; gnomAD exomes 0.00140; ExAC 0.00148.
gnomAD v4.1: 2,137 of 1,613,860 alleles (0.13%); highest among the groups gnomAD compares: Non-Finnish European, 0.17%; 3 homozygotes.

Submissions (2):

CeGaT Center for Human Genetics Tuebingen
Classification: Likely benign. Last evaluated: 2026-01-01. Review status: criteria provided, single submitter. Criteria: CeGaT Center For Human Genetics Tuebingen Variant Classification Criteria Version 2. Collection method: clinical testing. Allele origin: germline. Affected: yes. Observed: 6 variant alleles.
Comment: GEMIN4: BP4, BP7

Blueprint Genetics
Classification: Likely benign. Last evaluated: 2024-11-18. Review status: criteria provided, single submitter. Criteria: ACMG Guidelines, 2015. Collection method: clinical testing. Allele origin: germline.

NM_015721.3(GEMIN4):c.165G>A (p.Ser55=)

Gene: GEMIN4 (gem nuclear organelle associated protein 4; minus strand). Cytogenetic location: 17p13.3.
Variant type: single nucleotide variant.
Coding change: c.165G>A on transcript NM_015721.3 (MANE Select); coding-DNA position 165, G replaced by A.
Protein change: p.Ser55=; no amino-acid change (serine 55 retained).
Molecular consequence: synonymous variant.
Genome position (GRCh38, 1-based): chr17:747,878, C>T on the plus strand (G>A on the coding strand, the complement: GEMIN4 is on the minus strand). VCF-style: chr17-747878-C-T. GRCh37 (hg19) VCF-style: chr17-651118-C-T.
Identifiers: ClinVar variation 2647177 (VCV002647177.25), dbSNP rs150160877, ClinGen allele CA8262948.